The following is an entry in ClinVar:

ClinVar aggregate classification (germline): Uncertain significance (1 of 4 stars; one submission).

Allele frequency attached by ClinVar (database versions not stated): TOPMed 0.00001.
gnomAD v4.1: 4 of 1,611,090 alleles (0.00025%); highest among the groups gnomAD compares: Non-Finnish European, 0.00034%; no homozygotes.

Submission:

GeneDx
Classification: Uncertain significance. Last evaluated: 2022-12-20. Review status: criteria provided, single submitter. Criteria: GeneDx Variant Classification Process June 2021. Collection method: clinical testing. Allele origin: germline. Affected: yes.
Comment: Not observed at significant frequency in large population cohorts (gnomAD); In silico analysis supports that this missense variant does not alter protein structure/function; Has not been previously published as pathogenic or benign to our knowledge

NM_003923.3(FOXH1):c.803G>T (p.Gly268Val)

Gene: FOXH1 (forkhead box H1; minus strand). Cytogenetic location: 8q24.3.
Variant type: single nucleotide variant.
Coding change: c.803G>T on transcript NM_003923.3 (MANE Select); coding-DNA position 803, G replaced by T.
Protein change: p.Gly268Val; replaces glycine 268 with valine.
Molecular consequence: missense variant.
Genome position (GRCh38, 1-based): chr8:144,474,533, C>A on the plus strand (G>T on the coding strand, the complement: FOXH1 is on the minus strand). VCF-style: chr8-144474533-C-A. GRCh37 (hg19) VCF-style: chr8-145699916-C-A.
Other names: short protein forms G268V.
Identifiers: ClinVar variation 1806546 (VCV001806546.1), dbSNP rs934839135, ClinGen allele CA187724698.